The following is an entry in ClinVar:

ClinVar aggregate classification (germline): Uncertain significance (1 of 4 stars; one submission).

Conditions:
Carnitine palmitoyltransferase II deficiency. Also called: Carnitine Palmitoyltransferase 2 Deficiency. Identifiers: Orphanet 157, MedGen C0342790, MONDO:0015515.

Submission:

Labcorp Genetics (formerly Invitae), Labcorp
Classification: Uncertain significance for Carnitine palmitoyltransferase II deficiency. Last evaluated: 2024-10-18. Review status: criteria provided, single submitter. Criteria: Invitae Variant Classification Sherloc (09022015). Collection method: clinical testing. Allele origin: germline.
Comment: This sequence change replaces leucine, which is neutral and non-polar, with proline, which is neutral and non-polar, at codon 25 of the CPT2 protein (p.Leu25Pro). This variant is not present in population databases (gnomAD no frequency). This variant has not been reported in the literature in individuals affected with CPT2-related conditions. ClinVar contains an entry for this variant (Variation ID: 1389835). Invitae Evidence Modeling of protein sequence and biophysical properties (such as structural, functional, and spatial information, amino acid conservation, physicochemical variation, residue mobility, and thermodynamic stability) indicates that this missense variant is not expected to disrupt CPT2 protein function with a negative predictive value of 95%. In summary, the available evidence is currently insufficient to determine the role of this variant in disease. Therefore, it has been classified as a Variant of Uncertain Significance.

NM_000098.3(CPT2):c.74T>C (p.Leu25Pro)

Genes: CPT2 (carnitine palmitoyltransferase 2; plus strand), LOC129930561 (ATAC-STARR-seq lymphoblastoid silent region 902; plus strand). Cytogenetic location: 1p32.3.
Variant type: single nucleotide variant.
Coding change: c.74T>C on transcript NM_000098.3 (MANE Select); coding-DNA position 74, T replaced by C.
Protein change: p.Leu25Pro; replaces leucine 25 with proline.
Molecular consequence: missense variant.
Genome position (GRCh38, 1-based): chr1:53,197,017, T>C. VCF-style: chr1-53197017-T-C. GRCh37 (hg19) VCF-style: chr1-53662689-T-C.
Other names: c.74T>C, p.Leu25Pro (NM_001330589.2); short protein forms L25P.
Identifiers: ClinVar variation 1389835 (VCV001389835.6), dbSNP rs2100254861, ClinGen allele CA340388686.